The following is an entry in ClinVar:

ClinVar aggregate classification (germline): Likely benign. Review status: criteria provided, multiple submitters, no conflicts (2 of 4 stars). 2 submissions from 2 submitters: Likely benign (2). Last evaluated 2026-07-01.

Allele frequency attached by ClinVar (database versions not stated): 1000 Genomes Project 0.00220; 1000 Genomes Project 30x 0.00250.
gnomAD v4.1: 6,162 of 1,452,772 alleles (0.42%); highest among the groups gnomAD compares: Middle Eastern, 1.3%; 25 homozygotes.

Submissions (2):

CeGaT Center for Human Genetics Tuebingen
Classification: Likely benign. Last evaluated: 2026-07-01. Review status: criteria provided, single submitter. Criteria: CeGaT Center For Human Genetics Tuebingen Variant Classification Criteria Version 2. Collection method: clinical testing. Allele origin: germline. Affected: yes. Observed: 24 variant alleles.
Comment: MN1: BP4, BP7, BS2

Blueprint Genetics
Classification: Likely benign. Last evaluated: 2024-11-26. Review status: criteria provided, single submitter. Criteria: ACMG Guidelines, 2015. Collection method: clinical testing. Allele origin: germline.

NM_002430.3(MN1):c.1059G>A (p.Pro353=)

Gene: MN1 (MN1 proto-oncogene, transcriptional regulator; minus strand). Cytogenetic location: 22q12.1.
Variant type: single nucleotide variant.
Coding change: c.1059G>A on transcript NM_002430.3 (MANE Select); coding-DNA position 1059, G replaced by A.
Protein change: p.Pro353=; no amino-acid change (proline 353 retained).
Molecular consequence: synonymous variant.
Genome position (GRCh38, 1-based): chr22:27,799,485, C>T on the plus strand (G>A on the coding strand, the complement: MN1 is on the minus strand). VCF-style: chr22-27799485-C-T. GRCh37 (hg19) VCF-style: chr22-28195473-C-T.
Identifiers: ClinVar variation 2571154 (VCV002571154.28), dbSNP rs45463494, ClinGen allele CA10166486.